The following is an entry in ClinVar:

NM_016120.4(RLIM):c.1311G>A (p.Met437Ile)

Gene: RLIM (ring finger protein, LIM domain interacting; minus strand). Cytogenetic location: Xq13.2.
Variant type: single nucleotide variant.
Coding change: c.1311G>A on transcript NM_016120.4 (MANE Select); coding-DNA position 1311, G replaced by A.
Protein change: p.Met437Ile; replaces methionine 437 with isoleucine.
Molecular consequence: missense variant.
Genome position (GRCh38, 1-based): chrX:74,592,004, C>T on the plus strand (G>A on the coding strand, the complement: RLIM is on the minus strand). VCF-style: chrX-74592004-C-T. GRCh37 (hg19) VCF-style: chrX-73811839-C-T.
Other names: c.1311G>A, p.Met437Ile (NM_183353.3); short protein forms M437I.
Identifiers: ClinVar variation 1709208 (VCV001709208.4), dbSNP rs2079618376, ClinGen allele CA413660431.
Genomic context (GRCh38, chrX:74,592,004, plus strand): 5'-GGAACCAGAACTACTACCACCACCAGAACCTCCTCTTCCACTCCGTGACTCTGCCCTTTC[C>T]ATATTTCGATTTGAGACTGAGCCAGTAGGCTCTGAGTCGCTATCACTGTACATAAAATAG-3'
Protein context (NP_057204.2, residues 427-447): EPTGSVSNRN[Met437Ile]ERAESRSGRG

ClinVar aggregate classification (germline): Uncertain significance. Review status: criteria provided, multiple submitters, no conflicts (2 of 4 stars). 2 submissions from 2 submitters: Uncertain significance (2). Last evaluated 2026-06-01.

Conditions:
Intellectual disability, X-linked 61 (TOKAS). Also called: TONNE-KALSCHEUER SYNDROME. Identifiers: MedGen C4283894, MONDO:0010506, OMIM 300978.

gnomAD v4.1: 3 of 1,211,657 alleles (0.00025%); highest among the groups gnomAD compares: Middle Eastern, 0.046%; no homozygotes.

Submissions (2):

CeGaT Center for Human Genetics Tuebingen
Classification: Uncertain significance. Last evaluated: 2026-06-01. Review status: criteria provided, single submitter. Criteria: CeGaT Center For Human Genetics Tuebingen Variant Classification Criteria Version 2. Collection method: clinical testing. Allele origin: germline. Affected: yes. Observed: 1 variant allele.
Comment: RLIM: PM2, PP2, BP4

MGZ Medical Genetics Center
Classification: Uncertain significance for Intellectual disability, X-linked 61. Last evaluated: 2021-12-09. Review status: criteria provided, single submitter. Criteria: ACMG Guidelines, 2015. Collection method: clinical testing. Allele origin: germline. Affected: yes. Observed: 1 variant allele.
Comment: ACMG criteria applied: PM2_SUP, BP4